The following is an entry in ClinVar:

ClinVar aggregate classification (germline): Uncertain significance. Review status: criteria provided, multiple submitters, no conflicts (2 of 4 stars). 4 submissions from 4 submitters: Uncertain significance (4). Last evaluated 2025-03-26.

Conditions:
Autosomal recessive nonsyndromic hearing loss 97. Also called: Deafness, autosomal recessive 97. Identifiers: Orphanet 90636, MedGen C4084709, MONDO:0014739, OMIM 616705.
Hereditary cancer-predisposing syndrome. Also called: Neoplastic Syndromes, Hereditary; Tumor predisposition; Hereditary Cancer Syndrome; Hereditary neoplastic syndrome. Identifiers: Orphanet 140162, MedGen C0027672, MeSH D009386, MONDO:0015356.
Renal cell carcinoma. Identifiers: Orphanet 217071, MedGen C0007134, MeSH D002292, MONDO:0005086, HP:0005584.

gnomAD v4.1: 1 of 1,613,820 alleles (0.000062%); highest among the groups gnomAD compares: Non-Finnish European, 0.000085%; no homozygotes.

Submissions (4):

Labcorp Genetics (formerly Invitae), Labcorp
Classification: Uncertain significance for Renal cell carcinoma. Last evaluated: 2025-03-26. Review status: criteria provided, single submitter. Criteria: Invitae Variant Classification Sherloc (09022015). Collection method: clinical testing. Allele origin: germline.
Comment: This sequence change replaces valine, which is neutral and non-polar, with leucine, which is neutral and non-polar, at codon 13 of the MET protein (p.Val13Leu). This variant is not present in population databases (gnomAD no frequency). This variant has not been reported in the literature in individuals affected with MET-related conditions. ClinVar contains an entry for this variant (Variation ID: 1735057). Invitae Evidence Modeling of protein sequence and biophysical properties (such as structural, functional, and spatial information, amino acid conservation, physicochemical variation, residue mobility, and thermodynamic stability) indicates that this missense variant is not expected to disrupt MET protein function with a negative predictive value of 80%. In summary, the available evidence is currently insufficient to determine the role of this variant in disease. Therefore, it has been classified as a Variant of Uncertain Significance.

Ambry Genetics
Classification: Uncertain significance for Hereditary cancer-predisposing syndrome. Last evaluated: 2024-09-13. Review status: criteria provided, single submitter. Criteria: Ambry Variant Classification Scheme 2023. Collection method: clinical testing. Allele origin: germline.
Comment: The p.V13L variant (also known as c.37G>T), located in coding exon 1 of the MET gene, results from a G to T substitution at nucleotide position 37. The valine at codon 13 is replaced by leucine, an amino acid with highly similar properties. This amino acid position is not well conserved in available vertebrate species. In addition, this alteration is predicted to be tolerated by in silico analysis. Based on the available evidence, the clinical significance of this variant remains unclear.

GeneDx
Classification: Uncertain significance. Last evaluated: 2024-07-03. Review status: criteria provided, single submitter. Criteria: GeneDx Variant Classification Process June 2021. Collection method: clinical testing. Allele origin: germline. Affected: yes.
Comment: Not observed at significant frequency in large population cohorts (gnomAD); In silico analysis indicates that this missense variant does not alter protein structure/function; Has not been previously published as pathogenic or benign to our knowledge

Baylor Genetics
Classification: Uncertain significance for Autosomal recessive nonsyndromic hearing loss 97. Last evaluated: 2024-03-26. Review status: criteria provided, single submitter. Criteria: ACMG Guidelines, 2015. Collection method: clinical testing. Allele origin: unknown.

NM_000245.4(MET):c.37G>T (p.Val13Leu)

Gene: MET (MET proto-oncogene, receptor tyrosine kinase; plus strand). Cytogenetic location: 7q31.2.
Variant type: single nucleotide variant.
Coding change: c.37G>T on transcript NM_000245.4 (MANE Select); coding-DNA position 37, G replaced by T.
Protein change: p.Val13Leu; replaces valine 13 with leucine.
Molecular consequence: missense variant. On other transcripts: intron variant (1).
Genome position (GRCh38, 1-based): chr7:116,699,121, G>T. VCF-style: chr7-116699121-G-T. GRCh37 (hg19) VCF-style: chr7-116339175-G-T.
Other names: c.37G>T, p.Val13Leu (NM_001127500.3, NM_001324401.3); c.-91+26544G>T (NM_001324402.2); short protein forms V13L.
Identifiers: ClinVar variation 1735057 (VCV001735057.10), dbSNP rs781777052, ClinGen allele CA368968208.